The following is an entry in ClinVar:

ClinVar aggregate classification (germline): Uncertain significance (1 of 4 stars; one submission).

Conditions:
Ehlers-Danlos syndrome, classic type, 1 (EDSCL1). Also called: EHLERS-DANLOS SYNDROME, GRAVIS TYPE; EHLERS-DANLOS SYNDROME, SEVERE CLASSIC TYPE; Ehlers-Danlos syndrome, type 1; Ehlers-Danlos Syndrome, Classic Type, COL5A1-Related; EDS I. Identifiers: MedGen C0268335, MONDO:0019567, OMIM 130000.

Submission:

Labcorp Genetics (formerly Invitae), Labcorp
Classification: Uncertain significance for Ehlers-Danlos syndrome, classic type, 1. Last evaluated: 2025-07-15. Review status: criteria provided, single submitter. Criteria: Invitae Variant Classification Sherloc (09022015). Collection method: clinical testing. Allele origin: germline.
Comment: This sequence change replaces alanine, which is neutral and non-polar, with valine, which is neutral and non-polar, at codon 942 of the COL5A1 protein (p.Ala942Val). This variant is not present in population databases (gnomAD no frequency). This variant has not been reported in the literature in individuals affected with COL5A1-related conditions. Invitae Evidence Modeling of protein sequence and biophysical properties (such as structural, functional, and spatial information, amino acid conservation, physicochemical variation, residue mobility, and thermodynamic stability) indicates that this missense variant is not expected to disrupt COL5A1 protein function with a negative predictive value of 95%. In summary, the available evidence is currently insufficient to determine the role of this variant in disease. Therefore, it has been classified as a Variant of Uncertain Significance.

NM_000093.5(COL5A1):c.2825C>T (p.Ala942Val)

Gene: COL5A1 (collagen type V alpha 1 chain; plus strand). Cytogenetic location: 9q34.3.
Variant type: single nucleotide variant.
Coding change: c.2825C>T on transcript NM_000093.5 (MANE Select); coding-DNA position 2825, C replaced by T.
Protein change: p.Ala942Val; replaces alanine 942 with valine.
Molecular consequence: missense variant.
Genome position (GRCh38, 1-based): chr9:134,796,399, C>T. VCF-style: chr9-134796399-C-T. GRCh37 (hg19) VCF-style: chr9-137688245-C-T.
Other names: c.2825C>T, p.Ala942Val (NM_001278074.1); short protein forms A942V.
Identifiers: ClinVar variation 4763249 (VCV004763249.1).